The following is an entry in ClinVar:

NM_004958.4(MTOR):c.4991G>T (p.Gly1664Val)

Gene: MTOR (mechanistic target of rapamycin kinase; minus strand). Cytogenetic location: 1p36.22.
Variant type: single nucleotide variant.
Coding change: c.4991G>T on transcript NM_004958.4 (MANE Select); coding-DNA position 4991, G replaced by T.
Protein change: p.Gly1664Val; replaces glycine 1664 with valine.
Molecular consequence: missense variant.
Genome position (GRCh38, 1-based): chr1:11,139,540, C>A on the plus strand (G>T on the coding strand, the complement: MTOR is on the minus strand). VCF-style: chr1-11139540-C-A. GRCh37 (hg19) VCF-style: chr1-11199597-C-A.
Other names: c.4991G>T, p.Gly1664Val (NM_001386500.1); c.3743G>T, p.Gly1248Val (NM_001386501.1); short protein forms G1248V, G1664V.
Identifiers: ClinVar variation 1314198 (VCV001314198.2), dbSNP rs2100478749, ClinGen allele CA338402130.

ClinVar aggregate classification (germline): Uncertain significance (1 of 4 stars; one submission).

Submission:

GeneDx
Classification: Uncertain significance. Last evaluated: 2021-04-01. Review status: criteria provided, single submitter. Criteria: GeneDx Variant Classification Process June 2021. Collection method: clinical testing. Allele origin: germline. Affected: yes.
Comment: Not observed in large population cohorts (Lek et al., 2016); In silico analysis supports that this missense variant has a deleterious effect on protein structure/function; Has not been previously published as pathogenic or benign to our knowledge